The following is an entry in ClinVar:

ClinVar aggregate classification (germline): Likely benign (1 of 4 stars; one submission).

Allele frequency attached by ClinVar (database versions not stated): gnomAD exomes below 0.00001; gnomAD 0.00001.
gnomAD v4.1: 4 of 1,613,950 alleles (0.00025%); highest among the groups gnomAD compares: African/African-American, 0.0013%; no homozygotes.

Submission:

CeGaT Center for Human Genetics Tuebingen
Classification: Likely benign. Last evaluated: 2023-12-01. Review status: criteria provided, single submitter. Criteria: CeGaT Center For Human Genetics Tuebingen Variant Classification Criteria Version 2. Collection method: clinical testing. Allele origin: germline. Affected: yes. Observed: 1 variant allele.
Comment: KMT5B: BP4

NM_017635.5(KMT5B):c.2462A>G (p.Tyr821Cys)

Gene: KMT5B (lysine methyltransferase 5B; minus strand). Cytogenetic location: 11q13.2.
Variant type: single nucleotide variant.
Coding change: c.2462A>G on transcript NM_017635.5 (MANE Select); coding-DNA position 2462, A replaced by G.
Protein change: p.Tyr821Cys; replaces tyrosine 821 with cysteine.
Molecular consequence: missense variant.
Genome position (GRCh38, 1-based): chr11:68,157,884, T>C on the plus strand (A>G on the coding strand, the complement: KMT5B is on the minus strand). VCF-style: chr11-68157884-T-C. GRCh37 (hg19) VCF-style: chr11-67925351-T-C.
Other names: c.1946A>G, p.Tyr649Cys (NM_001300907.1, NM_001369428.1, NM_001369429.1 and 4 more transcripts); c.1742A>G, p.Tyr581Cys (NM_001300908.2); c.2462A>G, p.Tyr821Cys (NM_001369426.1); short protein forms Y581C, Y649C, Y821C.
Identifiers: ClinVar variation 3026673 (VCV003026673.22), dbSNP rs1368558998, ClinGen allele CA381586983.